The following is an entry in ClinVar:

NM_138927.4(SON):c.394C>T (p.Gln132Ter)

Gene: SON (SON DNA and RNA binding protein; plus strand). Cytogenetic location: 21q22.11.
Variant type: single nucleotide variant.
Coding change: c.394C>T on transcript NM_138927.4 (MANE Select); coding-DNA position 394, C replaced by T.
Protein change: p.Gln132Ter; replaces glutamine 132 with a stop codon.
Molecular consequence: nonsense. On other transcripts: non-coding transcript variant (1), intron variant (1).
Genome position (GRCh38, 1-based): chr21:33,549,625, C>T. VCF-style: chr21-33549625-C-T. GRCh37 (hg19) VCF-style: chr21-34921931-C-T.
Other names: c.394C>T, p.Gln132Ter (NM_001291411.2, NM_032195.3); c.244+3246C>T (NM_001291412.3); short protein forms Q132*.
Identifiers: ClinVar variation 1699617 (VCV001699617.2), dbSNP rs2145814066, ClinGen allele CA410150875.

ClinVar aggregate classification (germline): Pathogenic (1 of 4 stars; one submission).

Submission:

GeneDx
Classification: Pathogenic. Last evaluated: 2022-01-28. Review status: criteria provided, single submitter. Criteria: GeneDx Variant Classification Process June 2021. Collection method: clinical testing. Allele origin: germline. Affected: yes.
Comment: Nonsense variant predicted to result in protein truncation or nonsense mediated decay in a gene for which loss-of-function is a known mechanism of disease; Not observed at significant frequency in large population cohorts (gnomAD); This variant is associated with the following publications: (PMID: 31557424)